The following is an entry in ClinVar:

ClinVar aggregate classification (germline): Uncertain significance. Review status: criteria provided, multiple submitters, no conflicts (2 of 4 stars). 2 submissions from 2 submitters: Uncertain significance (2). Last evaluated 2023-02-10.

Conditions:
Tuberous sclerosis 2 (TSC2). Identifiers: Orphanet 805, MedGen C1860707, MONDO:0013199, OMIM 613254.
Hereditary cancer-predisposing syndrome. Also called: Hereditary neoplastic syndrome; Tumor predisposition; Neoplastic Syndromes, Hereditary; Hereditary Cancer Syndrome. Identifiers: Orphanet 140162, MedGen C0027672, MeSH D009386, MONDO:0015356.

Submissions (2):

Ambry Genetics
Classification: Uncertain significance for Hereditary cancer-predisposing syndrome. Last evaluated: 2023-02-10. Review status: criteria provided, single submitter. Criteria: Ambry Variant Classification Scheme 2023. Collection method: clinical testing. Allele origin: germline.
Comment: The p.L557V variant (also known as c.1669T>G), located in coding exon 15 of the TSC2 gene, results from a T to G substitution at nucleotide position 1669. The leucine at codon 557 is replaced by valine, an amino acid with highly similar properties. This amino acid position is conserved. In addition, the in silico prediction for this alteration is inconclusive. Since supporting evidence is limited at this time, the clinical significance of this alteration remains unclear.

Labcorp Genetics (formerly Invitae), Labcorp
Classification: Uncertain significance for Tuberous sclerosis 2. Last evaluated: 2023-01-26. Review status: criteria provided, single submitter. Criteria: Invitae Variant Classification Sherloc (09022015). Collection method: clinical testing. Allele origin: germline.
Comment: This variant has not been reported in the literature in individuals affected with TSC2-related conditions. This variant is not present in population databases (gnomAD no frequency). This sequence change replaces leucine, which is neutral and non-polar, with valine, which is neutral and non-polar, at codon 557 of the TSC2 protein (p.Leu557Val). Advanced modeling of protein sequence and biophysical properties (such as structural, functional, and spatial information, amino acid conservation, physicochemical variation, residue mobility, and thermodynamic stability) performed at Invitae indicates that this missense variant is not expected to disrupt TSC2 protein function. In summary, the available evidence is currently insufficient to determine the role of this variant in disease. Therefore, it has been classified as a Variant of Uncertain Significance.

NM_000548.5(TSC2):c.1669T>G (p.Leu557Val)

Gene: TSC2 (TSC complex subunit 2; plus strand). Cytogenetic location: 16p13.3.
Variant type: single nucleotide variant.
Coding change: c.1669T>G on transcript NM_000548.5 (MANE Select); coding-DNA position 1669, T replaced by G.
Protein change: p.Leu557Val; replaces leucine 557 with valine.
Molecular consequence: missense variant. On other transcripts: non-coding transcript variant (5).
Genome position (GRCh38, 1-based): chr16:2,065,588, T>G. VCF-style: chr16-2065588-T-G. GRCh37 (hg19) VCF-style: chr16-2115589-T-G.
Other names: c.1207T>G, p.Leu403Val (NM_001406681.1); c.1069T>G, p.Leu357Val (NM_001406682.1, NM_001406683.1, NM_001406684.1 and 6 more transcripts); c.325T>G, p.Leu109Val (NM_001406689.1, NM_001406690.1, NM_001406691.1 and 6 more transcripts); c.1669T>G, p.Leu557Val (NM_001077183.3, NM_001114382.3, NM_001363528.2 and 6 more transcripts); c.1558T>G, p.Leu520Val (NM_001318827.2, NM_001406670.1, NM_001406678.1); c.1522T>G, p.Leu508Val (NM_001318829.2, NM_001406675.1, NM_001406676.1 and 1 more transcripts); c.1702T>G, p.Leu568Val (NM_001318832.2); c.1759T>G, p.Leu587Val (NM_001406667.1, NM_001406668.1); and 3 more; short protein forms L109V, L357V, L403V, L538V, L23V, L520V, L553V, L587V.
Identifiers: ClinVar variation 2449993 (VCV002449993.5), dbSNP rs2151209140, ClinGen allele CA394269899.